The following is an entry in ClinVar:

NM_004380.3(CREBBP):c.2711G>T (p.Gly904Val)

Gene: CREBBP (CREB binding lysine acetyltransferase; minus strand). Cytogenetic location: 16p13.3.
Variant type: single nucleotide variant.
Coding change: c.2711G>T on transcript NM_004380.3 (MANE Select); coding-DNA position 2711, G replaced by T.
Protein change: p.Gly904Val; replaces glycine 904 with valine.
Molecular consequence: missense variant.
Genome position (GRCh38, 1-based): chr16:3,770,739, C>A on the plus strand (G>T on the coding strand, the complement: CREBBP is on the minus strand). VCF-style: chr16-3770739-C-A. GRCh37 (hg19) VCF-style: chr16-3820740-C-A.
Other names: c.2597G>T, p.Gly866Val (NM_001079846.1); short protein forms G866V, G904V.
Identifiers: ClinVar variation 2663527 (VCV002663527.3), dbSNP rs958396907, ClinGen allele CA276969041.
Genomic context (GRCh38, chr16:3,770,739, plus strand): 5'-GCCTGGGCTGCTGCCTGGACTGTAGGGGTGCTCTGGGTTTGGGTAGCACTGGGCACTGAG[C>A]CAGGAGTCGGGGTGGGAGTCTGCCCGGAAGACGACACAGGAGTTGATGGCTGAGTGGGAG-3'
Protein context (NP_004371.2, residues 894-914): SSGQTPTPTP[Gly904Val]SVPSATQTQS

ClinVar aggregate classification (germline): Uncertain significance. Review status: criteria provided, single submitter (1 of 4 stars). 2 submissions from 2 submitters: Uncertain significance (1). 1 of the submissions does not count toward it. Last evaluated 2024-07-31.

Conditions:
CREBBP-related disorder. Also called: CREBBP-related disorders; CREBBP-related condition.

Allele frequency attached by ClinVar (database versions not stated): gnomAD exomes below 0.00001.
gnomAD v4.1: 1 of 1,614,026 alleles (0.000062%); highest among the groups gnomAD compares: African/African-American, 0.0013%; no homozygotes.

Submissions (2):

GeneDx
Classification: Uncertain significance. Last evaluated: 2024-07-31. Review status: criteria provided, single submitter. Criteria: GeneDx Variant Classification Process June 2021. Collection method: clinical testing. Allele origin: germline.
Comment: Not observed at significant frequency in large population cohorts (gnomAD); In silico analysis supports that this missense variant has a deleterious effect on protein structure/function; Has not been previously published as pathogenic or benign to our knowledge

PreventionGenetics, part of Exact Sciences
Classification: Uncertain significance for CREBBP-related condition. Last evaluated: 2024-09-29. Review status: no assertion criteria provided. Collection method: clinical testing. Allele origin: germline. Not counted in ClinVar's aggregate classification.
Comment: The CREBBP c.2711G>T variant is predicted to result in the amino acid substitution p.Gly904Val. To our knowledge, this variant has not been reported in the literature or in a large population database, indicating this variant is rare. At this time, the clinical significance of this variant is uncertain due to the absence of conclusive functional and genetic evidence.